The following is an entry in ClinVar:

ClinVar aggregate classification (germline): Uncertain significance (1 of 4 stars; one submission).

Conditions:
Aicardi-Goutieres syndrome 7 (AGS7). Identifiers: Orphanet 51, MedGen C3888244, MONDO:0014367, OMIM 615846.
Singleton-Merten syndrome 1 (SGMRT1). Also called: Widened medullary cavities of bone, aortic calcification, abnormal dentition, and muscular weakness; Syndrome of widened medullary cavities of the metacarpals and phalanges, aortic calcification and abnormal dentition. Identifiers: Orphanet 85191, MedGen C4225427, MONDO:0024535, OMIM 182250.

Submission:

Labcorp Genetics (formerly Invitae), Labcorp
Classification: Uncertain significance for Aicardi-Goutieres syndrome 7; Singleton-Merten syndrome 1. Last evaluated: 2024-11-18. Review status: criteria provided, single submitter. Criteria: Invitae Variant Classification Sherloc (09022015). Collection method: clinical testing. Allele origin: germline.
Comment: This variant, c.2608_2613dup, results in the insertion of 2 amino acid(s) of the IFIH1 protein (p.Ala870_His871dup), but otherwise preserves the integrity of the reading frame. This variant is not present in population databases (gnomAD no frequency). This variant has not been reported in the literature in individuals affected with IFIH1-related conditions. In summary, the available evidence is currently insufficient to determine the role of this variant in disease. Therefore, it has been classified as a Variant of Uncertain Significance.

NM_022168.4(IFIH1):c.2608_2613dup (p.His871_Lys872insAlaHis)

Gene: IFIH1 (interferon induced with helicase C domain 1; minus strand). Cytogenetic location: 2q24.2.
Variant type: Duplication.
Coding change: c.2608_2613dup on transcript NM_022168.4 (MANE Select); coding-DNA positions 2608 to 2613, 6 bases duplicated (GCTCAT; older notation c.2608_2613dupGCTCAT).
Protein change: p.His871_Lys872insAlaHis.
Molecular consequence: inframe insertion.
Genome position (GRCh38, 1-based): chr2:162,272,229-162,272,234, ATGAGC duplicated on the plus strand (GCTCAT on the coding strand, the reverse complement: IFIH1 is on the minus strand); duplicating any 6 consecutive bases within chr2:162,272,229-162,272,236 gives the same sequence; the c. name uses the placement nearest the transcript's 3' end. VCF-style (leftmost placement, unchanged base first): chr2-162272228-T-TATGAGC. GRCh37 (hg19) VCF-style: chr2-163128738-T-TATGAGC.
Identifiers: ClinVar variation 3762951 (VCV003762951.2).
Genomic context (GRCh38, chr2:162,272,228, plus strand): 5'-GGCAACCACATGCCGCCATTTTTAAATGAAAATCAAATTCAGAGGTGACCAACAATACCT[T>TATGAGC]ATGAGCATACTCCTCTGGTTTCATATTTTGAACACAATGTATAGCTTTATACATCATCTT-3'